The following is an entry in ClinVar:

ClinVar aggregate classification (germline): Conflicting classifications of pathogenicity. Review status: criteria provided, conflicting classifications (1 of 4 stars). 15 submissions from 15 submitters: Uncertain significance (6); Benign (1); Likely benign (7). 1 of the submissions does not count toward it. Last evaluated 2026-04-28.

Conditions:
Mismatch repair cancer syndrome 4. Identifiers: MedGen C5436817, MONDO:0030843, OMIM 619101.
Lynch syndrome 4 (LYNCH4). Also called: Hereditary non-polyposis colorectal cancer, type 4; Colorectal cancer, hereditary nonpolyposis, type 4. Identifiers: Orphanet 144, MedGen C1838333, MONDO:0013699, OMIM 614337. Disease mechanism: loss of function.
Hereditary nonpolyposis colorectal neoplasms. Identifiers: MedGen C0009405, MeSH D003123.
Breast and/or ovarian cancer. Identifiers: MedGen CN221562.
Hereditary cancer-predisposing syndrome. Also called: Hereditary Cancer Syndrome; Tumor predisposition; Hereditary neoplastic syndrome; Neoplastic Syndromes, Hereditary. Identifiers: Orphanet 140162, MedGen C0027672, MeSH D009386, MONDO:0015356.
Lynch syndrome. Identifiers: Orphanet 144, MedGen C4552100, MONDO:0005835. Disease mechanism: loss of function.
Mismatch repair cancer syndrome 1 (MMRCS1). Also called: MISMATCH REPAIR DEFICIENCY; MMR DEFICIENCY; BRAIN TUMOR-POLYPOSIS SYNDROME 1; BTP1 SYNDROME; CHILDHOOD CANCER SYNDROME. Identifiers: Orphanet 252202, MedGen C5399763, MONDO:0010159, OMIM 276300. Disease mechanism: loss of function.

Allele frequency attached by ClinVar (database versions not stated): ExAC 0.00006; gnomAD 0.00006; gnomAD exomes 0.00006 and 0.00015; TOPMed 0.00007; ESP Exome Variant Server 0.00013.
gnomAD v4.1: 198 of 1,492,036 alleles (0.013%); highest among the groups gnomAD compares: Non-Finnish European, 0.018%; 1 homozygote.

Submissions (15):

Women's Health and Genetics/Laboratory Corporation of America, LabCorp
Classification: Likely benign. Last evaluated: 2026-04-28. Review status: criteria provided, single submitter. Criteria: LabCorp Variant Classification Summary - May 2015. Collection method: clinical testing. Allele origin: germline.
Comment: Variant summary: PMS2 c.353+6A>G alters a nucleotide located close to a canonical splice site and therefore could affect mRNA splicing, leading to a significantly altered protein sequence. Consensus agreement among computation tools predict no significant impact on normal splicing. However, these predictions have yet to be confirmed by functional studies. The variant allele was found at a frequency of 6e-05 in 234546 control chromosomes, predominantly at a frequency of 0.00012 within the Non-Finnish European subpopulation in the gnomAD database. The observed variant frequency within Non-Finnish European control individuals in the gnomAD database exceeds the estimated maximal expected allele frequency for disease-causing variants in PMS2. The variant, c.353+6A>G, has been reported in the literature in one individual affected with colorectal cancer (Yurgelun_2017). The report does not provide unequivocal conclusions about association of the variant with Hereditary Nonpolyposis Colorectal Cancer. To our knowledge, no experimental evidence demonstrating an impact on protein function has been reported. The following publication have been ascertained in the context of this evaluation (PMID: 28135145). ClinVar contains an entry for this variant (Variation ID: 237913). Based on the evidence outlined above, the variant was classified as likely benign.

Labcorp Genetics (formerly Invitae), Labcorp
Classification: Likely benign for Hereditary nonpolyposis colorectal neoplasms. Last evaluated: 2026-01-16. Review status: criteria provided, single submitter. Criteria: Invitae Variant Classification Sherloc (09022015). Collection method: clinical testing. Allele origin: germline.

Mayo Clinic Laboratories, Mayo Clinic
Classification: Likely benign. Last evaluated: 2025-07-10. Review status: criteria provided, single submitter. Criteria: ACMG Guidelines, 2015. Collection method: clinical testing. Allele origin: germline. Observed: 3 variant alleles.
Comment: BS1, BP4, BP7

Quest Diagnostics Nichols Institute San Juan Capistrano
Classification: Uncertain significance. Last evaluated: 2025-01-15. Review status: criteria provided, single submitter. Criteria: Quest Diagnostics criteria. Collection method: clinical testing. Allele origin: unknown.
Comment: The PMS2 c.353+6A>G variant has been reported in the published literature in an individual with colorectal cancer (PMID: 28135145 (2017)). The frequency of this variant in the general population (Genome Aggregation Database) is uninformative in the assessment of its pathogenicity. Analysis of this variant using software algorithms for the prediction of the effect of nucleotide changes on splicing yielded predictions that this variant does not affect PMS2 mRNA splicing. Based on the available information, we are unable to determine the clinical significance of this variant.

All of Us Research Program, National Institutes of Health
Classification: Likely benign for Lynch syndrome. Last evaluated: 2023-12-13. Review status: criteria provided, single submitter. Criteria: ACMG Guidelines, 2015. Collection method: clinical testing. Allele origin: germline. Inheritance: Autosomal dominant inheritance. Observed: 29 variant alleles, 29 heterozygotes.
Comment: This study involves interpretation of variants in research participants for the purpose of population health screening. Participant phenotype was not available at the time of variant classification. Additional details can be found in publication PMID: 35346344, PMCID: PMC8962531

Department of Pathology and Laboratory Medicine, Sinai Health System
Classification: Uncertain significance for Lynch syndrome 4; Mismatch repair cancer syndrome 4. Last evaluated: 2023-10-05. Review status: criteria provided, single submitter. Criteria: ACMG Guidelines, 2015. Collection method: clinical testing. Allele origin: germline. Affected: yes.

Blueprint Genetics
Classification: Uncertain significance. Last evaluated: 2023-09-18. Review status: criteria provided, single submitter. Criteria: ACMG Guidelines, 2015. Collection method: clinical testing. Allele origin: germline.

Myriad Genetics, Inc.
Classification: Likely benign for Lynch syndrome 4. Last evaluated: 2023-09-05. Review status: criteria provided, single submitter. Criteria: Myriad Autosomal Dominant, Autosomal Recessive and X-Linked Classification Criteria (2023). Collection method: clinical testing. Allele origin: unknown.
Comment: This variant is considered likely benign. This variant is intronic and is not expected to impact mRNA splicing.

CHEO Genetics Diagnostic Laboratory, Children's Hospital of Eastern Ontario
Classification: Uncertain significance for Breast and/or ovarian cancer. Last evaluated: 2023-04-18. Review status: criteria provided, single submitter. Criteria: ACMG Guidelines, 2015. Collection method: clinical testing. Allele origin: germline.

Sema4
Classification: Uncertain significance for Hereditary cancer-predisposing syndrome. Last evaluated: 2021-09-26. Review status: criteria provided, single submitter. Criteria: Sema4 Curation Guidelines. Collection method: curation. Allele origin: germline.
Comment: The PMS2 c.353+6A>G variant has been reported in heterozygosity in at least one individual with colorectal cancer (PMID: 28135145). It is also known as IVS4+6A>G in the literature. This variant was observed in 14/124264 chromosomes in the European (non-Finnish) population, with no homozygotes, according to the Genome Aggregation Database (PMID: 32461654), and has been reported in ClinVar (Variation ID: 237913). Functional studies have not been performed, and in silico predictions of the variant's effect on splicing are inconclusive. There is no indication that this variant causes disease, but the evidence is insufficient currently to prove that conclusively. Therefore, this variant is interpreted as a variant of uncertain significance.

Genetic Services Laboratory, University of Chicago
Classification: Uncertain significance. Last evaluated: 2020-10-01. Review status: criteria provided, single submitter. Criteria: ACMG Guidelines, 2015. Collection method: clinical testing. Allele origin: germline. Affected: no.
Comment: DNA sequence analysis of the PMS2 gene demonstrated a sequence change in intron 4, c.353+6A>G. This sequence change has been described in the gnomAD database with a frequency of 0.011% in the European sub-population (dbSNP rs376449640). The c.353+6A>G change has been observed in the literature in one individual with colorectal cancer (PMID: 28135145). This sequence change is not clearly predicted to have a deleterious effect on splicing based on in silico splice prediction programs and is located in a domain of the PMS2 protein that is not known to be functional. It is possible that this sequence change represents a benign sequence change in the PMS2 gene that has not been identified to date. The functional significance of this sequence change is not known at present and its contribution to a disease phenotype cannot definitively be determined.

PreventionGenetics, part of Exact Sciences
Classification: Likely benign. Last evaluated: 2017-08-23. Review status: criteria provided, single submitter. Criteria: ACMG Guidelines, 2015. Collection method: clinical testing. Allele origin: germline.

Color Diagnostics, LLC DBA Color Health
Classification: Likely benign for Hereditary cancer-predisposing syndrome. Last evaluated: 2016-04-29. Review status: criteria provided, single submitter. Criteria: ACMG Guidelines, 2015. Collection method: clinical testing. Allele origin: germline.

GeneDx
Classification: Benign. Last evaluated: 2015-03-03. Review status: criteria provided, single submitter. Criteria: GeneDx Variant Classification Process June 2021. Collection method: clinical testing. Allele origin: germline. Affected: yes.
Comment: This variant is associated with the following publications: (PMID: 28135145)

Counsyl
Classification: Uncertain significance for Lynch syndrome 4. Last evaluated: 2018-03-23. Review status: no assertion criteria provided. Collection method: clinical testing. Allele origin: unknown. Not counted in ClinVar's aggregate classification.

Literature cited by the submitters: PubMed 28135145 (cited by 6 submitters).

NM_000535.7(PMS2):c.353+6A>G

Gene: PMS2 (PMS1 homolog 2, mismatch repair system component; minus strand). Cytogenetic location: 7p22.1.
Variant type: single nucleotide variant.
Coding change: c.353+6A>G on transcript NM_000535.7 (MANE Select); 6 bases into the intron after coding-DNA position 353, A replaced by G.
Molecular consequence: intron variant.
Genome position (GRCh38, 1-based): chr7:6,003,684, T>C on the plus strand (A>G on the coding strand, the complement: PMS2 is on the minus strand). VCF-style: chr7-6003684-T-C. GRCh37 (hg19) VCF-style: chr7-6043315-T-C.
Other names: p.?; c.35+288A>G (NM_001322008.2, NM_001322007.2); c.-53+6A>G (NM_001322010.2, NM_001322004.2, NM_001322013.2 and 3 more transcripts); c.-532+6A>G (NM_001322012.2, NM_001322011.2); c.-132+6A>G (NM_001322015.2); c.353+6A>G (NM_001322006.2, NM_001322014.2).
Identifiers: ClinVar variation 237913 (VCV000237913.43), dbSNP rs376449640, ClinGen allele CA049404.